The following is an entry in ClinVar:

NM_020791.4(TAOK1):c.*3451T>A

Gene: TAOK1 (TAO kinase 1; plus strand). Cytogenetic location: 17q11.2.
Variant type: single nucleotide variant.
Coding change: c.*3451T>A on transcript NM_020791.4 (MANE Select); 3451 bases downstream of the stop codon, T replaced by A.
Molecular consequence: 3 prime UTR variant.
Genome position (GRCh38, 1-based): chr17:29,546,473, T>A. VCF-style: chr17-29546473-T-A. GRCh37 (hg19) VCF-style: chr17-27873491-T-A.
Other names: c.*3451T>A (NM_025142.1).
Identifiers: ClinVar variation 1703076 (VCV001703076.3), dbSNP rs2508365262, ClinGen allele CA2580092755.

ClinVar aggregate classification (germline): Uncertain significance (1 of 4 stars; one submission).

Conditions:
Developmental delay with or without intellectual impairment or behavioral abnormalities. Identifiers: MedGen C5562004, MONDO:0859199, OMIM 619575.

Submission:

Greenwood Genetic Center Diagnostic Laboratories, Greenwood Genetic Center
Classification: Uncertain significance for Developmental delay with or without intellectual impairment or behavioral abnormalities. Last evaluated: 2022-04-08. Review status: criteria provided, single submitter. Criteria: ACMG Guidelines, 2015. Collection method: clinical testing. Allele origin: germline. Affected: yes.
Comment: PM2